The following is an entry in ClinVar:

NM_000127.3(EXT1):c.138G>T (p.Leu46Phe)

Gene: EXT1 (exostosin glycosyltransferase 1; minus strand). Cytogenetic location: 8q24.11.
Variant type: single nucleotide variant.
Coding change: c.138G>T on transcript NM_000127.3 (MANE Select); coding-DNA position 138, G replaced by T.
Protein change: p.Leu46Phe; replaces leucine 46 with phenylalanine.
Molecular consequence: missense variant.
Genome position (GRCh38, 1-based): chr8:118,110,909, C>A on the plus strand (G>T on the coding strand, the complement: EXT1 is on the minus strand). VCF-style: chr8-118110909-C-A. GRCh37 (hg19) VCF-style: chr8-119123148-C-A.
Other names: short protein forms L46F.
Identifiers: ClinVar variation 2826590 (VCV002826590.3), dbSNP rs2130045363, ClinGen allele CA371916518.

ClinVar aggregate classification (germline): Uncertain significance (1 of 4 stars; one submission).

Conditions:
Multiple congenital exostosis (EXT). Also called: MULTIPLE CARTILAGINOUS EXOSTOSES; Hereditary multiple osteochondromas; Hereditary multiple exostoses; Hereditary multiple exostosis; Multiple osteochondromas; Multiple exostoses. Identifiers: Orphanet 321, MedGen C0015306, MONDO:0005508, HP:0002762.

Submission:

Labcorp Genetics (formerly Invitae), Labcorp
Classification: Uncertain significance for Multiple congenital exostosis. Last evaluated: 2023-01-09. Review status: criteria provided, single submitter. Criteria: Invitae Variant Classification Sherloc (09022015). Collection method: clinical testing. Allele origin: germline.
Comment: This sequence change replaces leucine, which is neutral and non-polar, with phenylalanine, which is neutral and non-polar, at codon 46 of the EXT1 protein (p.Leu46Phe). This variant is not present in population databases (gnomAD no frequency). This variant has not been reported in the literature in individuals affected with EXT1-related conditions. Advanced modeling of protein sequence and biophysical properties (such as structural, functional, and spatial information, amino acid conservation, physicochemical variation, residue mobility, and thermodynamic stability) performed at Invitae indicates that this missense variant is not expected to disrupt EXT1 protein function. In summary, the available evidence is currently insufficient to determine the role of this variant in disease. Therefore, it has been classified as a Variant of Uncertain Significance.